The following is an entry in ClinVar:

ClinVar aggregate classification (germline): Uncertain significance. Review status: criteria provided, multiple submitters, no conflicts (2 of 4 stars). 2 submissions from 2 submitters: Uncertain significance (2). Last evaluated 2025-12-08.

Allele frequency attached by ClinVar (database versions not stated): gnomAD 0.00006; ESP Exome Variant Server 0.00008.
gnomAD v4.1: 32 of 1,614,018 alleles (0.002%); highest among the groups gnomAD compares: Middle Eastern, 0.033%; no homozygotes.

Submissions (2):

Ambry Genetics
Classification: Uncertain significance. Last evaluated: 2025-12-08. Review status: criteria provided, single submitter. Criteria: Ambry Variant Classification Scheme 2023. Collection method: clinical testing. Allele origin: germline.

Labcorp Genetics (formerly Invitae), Labcorp
Classification: Uncertain significance. Last evaluated: 2025-08-05. Review status: criteria provided, single submitter. Criteria: Invitae Variant Classification Sherloc (09022015). Collection method: clinical testing. Allele origin: germline.
Comment: This sequence change replaces arginine, which is basic and polar, with glutamine, which is neutral and polar, at codon 60 of the NDUFB10 protein (p.Arg60Gln). This variant is present in population databases (rs145224565, gnomAD 0.01%). This variant has not been reported in the literature in individuals affected with NDUFB10-related conditions. ClinVar contains an entry for this variant (Variation ID: 3187761). An algorithm developed to predict the effect of missense changes on protein structure and function (PolyPhen-2) suggests that this variant is likely to be disruptive. In summary, the available evidence is currently insufficient to determine the role of this variant in disease. Therefore, it has been classified as a Variant of Uncertain Significance.

NM_004548.3(NDUFB10):c.179G>A (p.Arg60Gln)

Gene: NDUFB10 (NADH:ubiquinone oxidoreductase subunit B10; plus strand). Cytogenetic location: 16p13.3.
Variant type: single nucleotide variant.
Coding change: c.179G>A on transcript NM_004548.3 (MANE Select); coding-DNA position 179, G replaced by A.
Protein change: p.Arg60Gln; replaces arginine 60 with glutamine.
Molecular consequence: missense variant.
Genome position (GRCh38, 1-based): chr16:1,961,201, G>A. VCF-style: chr16-1961201-G-A. GRCh37 (hg19) VCF-style: chr16-2011202-G-A.
Other names: short protein forms R60Q.
Identifiers: ClinVar variation 3187761 (VCV003187761.3), dbSNP rs145224565, ClinGen allele CA7823269.
Genomic context (GRCh38, chr16:1,961,201, plus strand): 5'-TTGTCTTTGCAGAATTTATAGAGCGGCAGCACGCAAAGAACAGGTATTACTACTACCACC[G>A]GCAGTACCGCCGCGTGCCAGACATCACTGAGTGCAAGGAGGAGGACATCATGTGCATGTA-3'
Protein context (NP_004539.1, residues 50-70): HAKNRYYYYH[Arg60Gln]QYRRVPDITE